The following is an entry in ClinVar:

NM_006073.4(TRDN):c.542A>T (p.Glu181Val)

Gene: TRDN (triadin; minus strand). Cytogenetic location: 6q22.31.
Variant type: single nucleotide variant.
Coding change: c.542A>T on transcript NM_006073.4 (MANE Select); coding-DNA position 542, A replaced by T.
Protein change: p.Glu181Val; replaces glutamic acid 181 with valine.
Molecular consequence: missense variant.
Genome position (GRCh38, 1-based): chr6:123,516,149, T>A on the plus strand (A>T on the coding strand, the complement: TRDN is on the minus strand). VCF-style: chr6-123516149-T-A. GRCh37 (hg19) VCF-style: chr6-123837294-T-A.
Other names: c.542A>T, p.Glu181Val (NM_001251987.2, NM_001256020.2, NM_001256021.2 and 1 more transcripts); short protein forms E181V.
Identifiers: ClinVar variation 2891489 (VCV002891489.3), dbSNP rs952182371, ClinGen allele CA365568183.
Genomic context (GRCh38, chr6:123,516,149, plus strand): 5'-GTCAATGGGAAAGGACTCAGTGTGTTAAACAGTAATAAAAGTAACTTCATACCTTTCTTT[T>A]CAGGTTTTTCTTTTTCTCTTACTTTTTCTTTTCCTTTTTCTTTTTCTTTGTGTGTAACTG-3'
Protein context (NP_006064.2, residues 171-191): KEKVREKEKP[Glu181Val]KKATHKEKIE

ClinVar aggregate classification (germline): Uncertain significance (1 of 4 stars; one submission).

Conditions:
Catecholaminergic polymorphic ventricular tachycardia 1. Also called: RYR2-Related Catecholaminergic Polymorphic Ventricular Tachycardia; VENTRICULAR TACHYCARDIA, CATECHOLAMINERGIC POLYMORPHIC, 1, WITH OR WITHOUT ATRIAL DYSFUNCTION AND/OR DILATED CARDIOMYOPATHY; VENTRICULAR TACHYCARDIA, STRESS-INDUCED POLYMORPHIC 1. Identifiers: Orphanet 3286, MedGen C1631597, MONDO:0011484, OMIM 604772.

Submission:

Labcorp Genetics (formerly Invitae), Labcorp
Classification: Uncertain significance for Catecholaminergic polymorphic ventricular tachycardia 1. Last evaluated: 2023-12-30. Review status: criteria provided, single submitter. Criteria: Invitae Variant Classification Sherloc (09022015). Collection method: clinical testing. Allele origin: germline.
Comment: This sequence change replaces glutamic acid, which is acidic and polar, with valine, which is neutral and non-polar, at codon 181 of the TRDN protein (p.Glu181Val). This variant is not present in population databases (gnomAD no frequency). This variant has not been reported in the literature in individuals affected with TRDN-related conditions. Advanced modeling of protein sequence and biophysical properties (such as structural, functional, and spatial information, amino acid conservation, physicochemical variation, residue mobility, and thermodynamic stability) performed at Invitae indicates that this missense variant is not expected to disrupt TRDN protein function with a negative predictive value of 80%. In summary, the available evidence is currently insufficient to determine the role of this variant in disease. Therefore, it has been classified as a Variant of Uncertain Significance.